The following is an entry in ClinVar:

ClinVar aggregate classification (germline): Likely pathogenic (1 of 4 stars; one submission).

Conditions:
Canavan Disease, Familial Form. Identifiers: MedGen C0751663.

Allele frequency attached by ClinVar (database versions not stated): ESP Exome Variant Server 0.00008; gnomAD exomes 0.00001; ExAC 0.00002.
gnomAD v4.1: 18 of 1,613,020 alleles (0.0011%); highest among the groups gnomAD compares: East Asian, 0.0022%; no homozygotes.

Submission:

Women's Health and Genetics/Laboratory Corporation of America, LabCorp
Classification: Likely pathogenic for Canavan Disease, Familial Form. Last evaluated: 2023-04-27. Review status: criteria provided, single submitter. Criteria: LabCorp Variant Classification Summary - May 2015. Collection method: clinical testing. Allele origin: germline.
Comment: Variant summary: ASPA c.677T>C (p.Ile226Thr) results in a non-conservative amino acid change in the encoded protein sequence. Three of five in-silico tools predict a benign effect of the variant on protein function. The variant allele was found at a frequency of 1.6e-05 in 251430 control chromosomes (gnomAD). c.677T>C has been reported in the literature in the aunt of an individual affected with Canavan Disease (Pietro_2008). This report does not provide unequivocal conclusions about association of the variant with Canavan Disease. At least one publication reports experimental evidence evaluating an impact on protein function. The most pronounced variant effect results in <10% of normal activity (Pietro_2008). The following publication has been ascertained in the context of this evaluation (PMID: 18280251). No clinical diagnostic laboratories have submitted clinical-significance assessments for this variant to ClinVar after 2014. Based on the evidence outlined above, the variant was classified as likely pathogenic.

Literature cited by the submitters: PubMed 18280251.

NM_000049.4(ASPA):c.677T>C (p.Ile226Thr)

Genes: ASPA (aspartoacylase; plus strand), SPATA22 (spermatogenesis associated 22; minus strand). Cytogenetic location: 17p13.2.
Variant type: single nucleotide variant.
Coding change: c.677T>C on transcript NM_000049.4 (MANE Select); coding-DNA position 677, T replaced by C.
Protein change: p.Ile226Thr; replaces isoleucine 226 with threonine.
Molecular consequence: missense variant. On other transcripts: intron variant (2).
Genome position (GRCh38, 1-based): chr17:3,494,392, T>C. VCF-style: chr17-3494392-T-C. GRCh37 (hg19) VCF-style: chr17-3397686-T-C.
Other names: c.677T>C, p.Ile226Thr (NM_001128085.1); c.-74+19020A>G (NM_001321336.2, NM_001321337.2); short protein forms I226T.
Identifiers: ClinVar variation 2503918 (VCV002503918.4), dbSNP rs201887670, ClinGen allele CA8289008.